The following is an entry in ClinVar:

NM_004168.4(SDHA):c.1334C>T (p.Ser445Leu)

Gene: SDHA (succinate dehydrogenase complex flavoprotein subunit A; plus strand). Cytogenetic location: 5p15.33.
Variant type: single nucleotide variant.
Coding change: c.1334C>T on transcript NM_004168.4 (MANE Select); coding-DNA position 1334, C replaced by T.
Protein change: p.Ser445Leu; replaces serine 445 with leucine.
Molecular consequence: missense variant.
Genome position (GRCh38, 1-based): chr5:236,501, C>T. VCF-style: chr5-236501-C-T. GRCh37 (hg19) VCF-style: chr5-236616-C-T.
Other names: c.1190C>T, p.Ser397Leu (NM_001294332.2); c.1334C>T, p.Ser445Leu (NM_001330758.2); short protein forms S445L, S397L.
Identifiers: ClinVar variation 472322 (VCV000472322.22), dbSNP rs1296066077, ClinGen allele CA359013953.

ClinVar aggregate classification (germline): Conflicting classifications of pathogenicity. Review status: criteria provided, conflicting classifications (1 of 4 stars). 6 submissions from 6 submitters: Likely pathogenic (4); Uncertain significance (2). Last evaluated 2026-11-03.

Conditions:
Mitochondrial complex II deficiency, nuclear type 1. Also called: SUCCINATE CoQ REDUCTASE DEFICIENCY. Identifiers: Orphanet 3208, MedGen C5700310, MONDO:0100294, OMIM 252011.
Pheochromocytoma/paraganglioma syndrome 5. Also called: Paragangliomas 5; SDHA-Related Hereditary Paraganglioma-Pheochromocytoma Syndrome. Identifiers: Orphanet 29072, MedGen C3279992, MONDO:0013602, OMIM 614165.
Hereditary cancer-predisposing syndrome. Also called: Neoplastic Syndromes, Hereditary; Hereditary neoplastic syndrome; Tumor predisposition; Hereditary Cancer Syndrome. Identifiers: Orphanet 140162, MedGen C0027672, MeSH D009386, MONDO:0015356.
Paraganglioma. Also called: Carotid body tumor. Identifiers: MedGen C0030421, MONDO:0000448, HP:0002668.
Dilated cardiomyopathy 1GG (CMD1GG). Identifiers: Orphanet 154, MedGen C3150898, MONDO:0013339, OMIM 613642.

Allele frequency attached by ClinVar (database versions not stated): gnomAD exomes below 0.00001 and 0.00001; TOPMed below 0.00001.

Submissions (6):

Clinical Genetics Laboratory, Skane University Hospital Lund
Classification: Likely pathogenic for Paraganglioma. Last evaluated: 2026-11-03. Review status: criteria provided, single submitter. Criteria: ACMG Guidelines, 2015. Collection method: clinical testing. Allele origin: germline. Affected: yes.
Comment: ACMG criteria used: PS4, PM2_Supporting, PP3

Labcorp Genetics (formerly Invitae), Labcorp
Classification: Likely pathogenic for Pheochromocytoma/paraganglioma syndrome 5; Mitochondrial complex II deficiency, nuclear type 1. Last evaluated: 2025-11-20. Review status: criteria provided, single submitter. Criteria: Invitae Variant Classification Sherloc (09022015). Collection method: clinical testing. Allele origin: germline.
Comment: This sequence change replaces serine, which is neutral and polar, with leucine, which is neutral and non-polar, at codon 445 of the SDHA protein (p.Ser445Leu). This variant is present in population databases (no rsID available, gnomAD 0.003%). This missense change has been observed in individuals with gastrointestinal stromal tumor, paraganglioma, and/or pheochromocytoma (PMID: 28384794, 29527294, 30854332; internal data). ClinVar contains an entry for this variant (Variation ID: 472322). Invitae Evidence Modeling of protein sequence and biophysical properties (such as structural, functional, and spatial information, amino acid conservation, physicochemical variation, residue mobility, and thermodynamic stability) has been performed for this missense variant. However, the output from this modeling did not meet the statistical confidence thresholds required to predict the impact of this variant on SDHA protein function. In summary, the currently available evidence indicates that the variant is pathogenic, but additional data are needed to prove that conclusively. Therefore, this variant has been classified as Likely Pathogenic.

Molecular Pathology, Peter Maccallum Cancer Centre
Classification: Likely pathogenic for Pheochromocytoma/paraganglioma syndrome 5. Last evaluated: 2025-04-11. Review status: criteria provided, single submitter. Criteria: ACMG Guidelines, 2015. Collection method: clinical testing. Allele origin: germline. Inheritance: Autosomal dominant inheritance.

Ambry Genetics
Classification: Likely pathogenic for Hereditary cancer-predisposing syndrome. Last evaluated: 2024-08-23. Review status: criteria provided, single submitter. Criteria: Ambry Variant Classification Scheme 2023. Collection method: clinical testing. Allele origin: germline.
Comment: The p.S445L variant (also known as c.1334C>T), located in coding exon 10 of the SDHA gene, results from a C to T substitution at nucleotide position 1334. The serine at codon 445 is replaced by leucine, an amino acid with dissimilar properties. This variant has been reported in the germline of multiple patients with SDHA-related paraganglioma-pheochromocytoma syndrome (Curr&aacute;s-Freixes M et al. J Mol Diagn. 2017 07;19:575-588; Bausch B et al. JAMA Oncol. 2017 Sep;3:1204-1212; Bernardo-Casti&ntilde;eira C et al. Head Neck. 2019 Jan;41:79-91; D&iacute;az-Castellanos MA et al. F1000Res, 2017 Dec;6:2087; Ma X et al. Front Endocrinol (Lausanne), 2020 Dec;11:574662). Based on internal structural analysis, S445L decreases the structure stability (Inaoka DK et al. Int J Mol Sci 2015 Jul;16(7):15287-308). This variant is considered to be rare based on population cohorts in the Genome Aggregation Database (gnomAD). This amino acid position is highly conserved in available vertebrate species. In addition, this alteration is predicted to be deleterious by in silico analysis. Based on the majority of available evidence to date, this variant is likely to be pathogenic.

Baylor Genetics
Classification: Uncertain significance for Dilated cardiomyopathy 1GG. Last evaluated: 2023-07-20. Review status: criteria provided, single submitter. Criteria: ACMG Guidelines, 2015. Collection method: clinical testing. Allele origin: unknown.

Institute for Clinical Genetics, University Hospital TU Dresden, University Hospital TU Dresden
Classification: Uncertain significance. Last evaluated: 2021-11-03. Review status: criteria provided, single submitter. Criteria: ACMG Guidelines, 2015. Collection method: clinical testing. Allele origin: germline.

Literature cited by the submitters: PubMed 28384794 (cited by Labcorp Genetics (formerly Invitae), Labcorp and Ambry Genetics); PubMed 29527294 (cited by Labcorp Genetics (formerly Invitae), Labcorp and Ambry Genetics); PubMed 30854332 (cited by Labcorp Genetics (formerly Invitae), Labcorp); PubMed 23282968 (cited by Ambry Genetics); PubMed 26198225 (cited by Ambry Genetics); PubMed 27011036 (cited by Ambry Genetics); PubMed 28552549 (cited by Ambry Genetics); PubMed 30068732 (cited by Ambry Genetics); PubMed 30549360 (cited by Ambry Genetics); PubMed 33362715 (cited by Ambry Genetics).